The following is an entry in ClinVar:

ClinVar aggregate classification (germline): Uncertain significance (1 of 4 stars; one submission).

Allele frequency attached by ClinVar (database versions not stated): gnomAD exomes below 0.00001.
gnomAD v4.1: 1 of 1,614,128 alleles (0.000062%); highest among the groups gnomAD compares: Non-Finnish European, 0.000085%; no homozygotes.

Submission:

Labcorp Genetics (formerly Invitae), Labcorp
Classification: Uncertain significance. Last evaluated: 2022-01-12. Review status: criteria provided, single submitter. Criteria: Invitae Variant Classification Sherloc (09022015). Collection method: clinical testing. Allele origin: germline.
Comment: This sequence change falls in intron 3 of the TUFM gene. It does not directly change the encoded amino acid sequence of the TUFM protein. It affects a nucleotide within the consensus splice site. This variant is present in population databases (no rsID available, gnomAD 0.0009%). This variant has not been reported in the literature in individuals affected with TUFM-related conditions. Variants that disrupt the consensus splice site are a relatively common cause of aberrant splicing (PMID: 17576681, 9536098). Algorithms developed to predict the effect of sequence changes on RNA splicing suggest that this variant is not likely to affect RNA splicing. In summary, the available evidence is currently insufficient to determine the role of this variant in disease. Therefore, it has been classified as a Variant of Uncertain Significance.

Literature cited by the submitters: PubMed 17576681; PubMed 9536098.

NM_003321.5(TUFM):c.414+6G>C

Gene: TUFM (Tu translation elongation factor, mitochondrial; minus strand). Cytogenetic location: 16p11.2.
Variant type: single nucleotide variant.
Coding change: c.414+6G>C on transcript NM_003321.5 (MANE Select); 6 bases into the intron after coding-DNA position 414, G replaced by C.
Molecular consequence: intron variant.
Genome position (GRCh38, 1-based): chr16:28,845,308, C>G on the plus strand (G>C on the coding strand, the complement: TUFM is on the minus strand). VCF-style: chr16-28845308-C-G. GRCh37 (hg19) VCF-style: chr16-28856629-C-G.
Other names: c.414+6G>C (NM_001365360.2).
Identifiers: ClinVar variation 1973276 (VCV001973276.5), dbSNP rs1233932812, ClinGen allele CA622162281.
Genomic context (GRCh38, chr16:28,845,308, plus strand): 5'-AGCCTAACATTTATCCTGACAAGAGGCAGCTTCTGGCCCTGTCTCCAGTGTCCCAGCAAC[C>G]CTCACCTTAACATAATCTGCATGACCCGGGCAGTCTGTGTGGGCGTAGTGGCGGGCGGCA-3'